The following is an entry in ClinVar:

NM_003072.5(SMARCA4):c.3827C>G (p.Pro1276Arg)

Gene: SMARCA4 (SWI/SNF related BAF chromatin remodeling complex subunit ATPase 4; plus strand). Cytogenetic location: 19p13.2.
Variant type: single nucleotide variant.
Coding change: c.3827C>G on transcript NM_003072.5 (MANE Select); coding-DNA position 3827, C replaced by G.
Protein change: p.Pro1276Arg; replaces proline 1276 with arginine.
Molecular consequence: missense variant. On other transcripts: intron variant (5).
Genome position (GRCh38, 1-based): chr19:11,033,819, C>G. VCF-style: chr19-11033819-C-G. GRCh37 (hg19) VCF-style: chr19-11144495-C-G.
Other names: c.3827C>G (NM_001128849.1); c.3827C>G, p.Pro1276Arg (NM_001128844.3, NM_001128849.3, NM_001387283.1); c.3774+302C>G (NM_001128847.4, NM_001374457.1, NM_001128845.2 and 2 more transcripts); short protein forms P1276R.
Identifiers: ClinVar variation 1042554 (VCV001042554.9), dbSNP rs2075090923, ClinGen allele CA404066647.
Genomic context (GRCh38, chr19:11,033,819, plus strand): 5'-ATCCACAGAGCAGACACTGCAGCACGGGCAGCGGCAGTGCCAGCTTCGCCCACACTGCCC[C>G]TCCGCCAGCGGGCGTCAACCCCGACTTGGAGGAGCCACCTCTAAAGGTGAGAGGGGTAGT-3'
Protein context (NP_003063.2, residues 1266-1286): SGSASFAHTA[Pro1276Arg]PPAGVNPDLE

ClinVar aggregate classification (germline): Uncertain significance. Review status: criteria provided, multiple submitters, no conflicts (2 of 4 stars). 2 submissions from 2 submitters: Uncertain significance (2). Last evaluated 2026-08-20.

Conditions:
Hereditary cancer-predisposing syndrome. Also called: Tumor predisposition; Hereditary Cancer Syndrome; Hereditary neoplastic syndrome; Neoplastic Syndromes, Hereditary. Identifiers: Orphanet 140162, MedGen C0027672, MeSH D009386, MONDO:0015356.
Rhabdoid tumor predisposition syndrome 2 (RTPS2). Identifiers: Orphanet 231108, Orphanet 69077, MedGen C2750074, MONDO:0013224, OMIM 613325.

gnomAD v4.1: 1 of 779,808 alleles (0.00013%); highest among the groups gnomAD compares: African/African-American, 0.0017%; no homozygotes.

Submissions (2):

Ambry Genetics
Classification: Uncertain significance for Hereditary cancer-predisposing syndrome. Last evaluated: 2026-08-20. Review status: criteria provided, single submitter. Criteria: Ambry Variant Classification Scheme 2023. Collection method: clinical testing. Allele origin: germline.
Comment: The p.P1276R variant (also known as c.3827C>G), located in coding exon 26 of the SMARCA4 gene, results from a C to G substitution at nucleotide position 3827. The proline at codon 1276 is replaced by arginine, an amino acid with dissimilar properties. This amino acid position is conserved. In addition, the in silico prediction for this alteration is inconclusive. Based on the available evidence, the clinical significance of this variant remains unclear.

Labcorp Genetics (formerly Invitae), Labcorp
Classification: Uncertain significance for Rhabdoid tumor predisposition syndrome 2. Last evaluated: 2021-02-26. Review status: criteria provided, single submitter. Criteria: Invitae Variant Classification Sherloc (09022015). Collection method: clinical testing. Allele origin: germline.
Comment: This sequence change replaces proline with arginine at codon 1276 of the SMARCA4 protein (p.Pro1276Arg). The proline residue is moderately conserved and there is a moderate physicochemical difference between proline and arginine. This variant is not present in population databases (ExAC no frequency). In summary, the available evidence is currently insufficient to determine the role of this variant in disease. Therefore, it has been classified as a Variant of Uncertain Significance. Algorithms developed to predict the effect of missense changes on protein structure and function (SIFT, PolyPhen-2, Align-GVGD) all suggest that this variant is likely to be tolerated, but these predictions have not been confirmed by published functional studies and their clinical significance is uncertain. This variant has not been reported in the literature in individuals with SMARCA4-related conditions.